The following is an entry in ClinVar:

NM_000492.4(CFTR):c.1132C>T (p.Gln378Ter)

Gene: CFTR (CF transmembrane conductance regulator; plus strand). Cytogenetic location: 7q31.2.
Variant type: single nucleotide variant.
Coding change: c.1132C>T on transcript NM_000492.4 (MANE Select); coding-DNA position 1132, C replaced by T.
Protein change: p.Gln378Ter; replaces glutamine 378 with a stop codon.
Molecular consequence: nonsense.
Genome position (GRCh38, 1-based): chr7:117,542,031, C>T. VCF-style: chr7-117542031-C-T. GRCh37 (hg19) VCF-style: chr7-117182085-C-T.
Other names: p.Gln378*; short protein forms Q378*.
Identifiers: ClinVar variation 1177286 (VCV001177286.10), dbSNP rs2115882158, ClinGen allele CA368979866.

ClinVar aggregate classification (germline): Pathogenic/Likely pathogenic. Review status: criteria provided, multiple submitters, no conflicts (2 of 4 stars). 4 submissions from 4 submitters: Pathogenic (2); Likely pathogenic (2). Last evaluated 2026-08-24.

Conditions:
Cystic fibrosis (CF). Also called: MUCOVISCIDOSIS. Identifiers: Orphanet 586, MedGen C0010674, MONDO:0009061, OMIM 219700. Disease mechanism: loss of function.
Hereditary pancreatitis (PCTT). Also called: PRSS1-Related Hereditary Pancreatitis; Hereditary chronic pancreatitis. Identifiers: Orphanet 676, MedGen C0238339, MONDO:0008185, OMIM 167800.
Bronchiectasis with or without elevated sweat chloride 1 (BESC1). Also called: Cystic Fibrosis-Like Syndrome. Identifiers: Orphanet 60033, MedGen C2749757, MONDO:0008887, OMIM 211400.
Congenital bilateral aplasia of vas deferens from CFTR mutation (CBAVD). Identifiers: Orphanet 48, MedGen C0403814, MONDO:0010178, OMIM 277180. Disease mechanism: loss of function.

Submissions (4):

Ambry Genetics
Classification: Pathogenic for Cystic fibrosis. Last evaluated: 2026-08-24. Review status: criteria provided, single submitter. Criteria: Ambry Variant Classification Scheme 2023. Collection method: clinical testing. Allele origin: germline.
Comment: The p.Q378* pathogenic mutation (also known as c.1132C>T), located in coding exon 9 of the CFTR gene, results from a C to T substitution at nucleotide position 1132. This changes the amino acid from a glutamine to a stop codon within coding exon 9. This variant is considered to be rare based on population cohorts in the Genome Aggregation Database (gnomAD). This alteration is expected to result in loss of function by premature protein truncation or nonsense-mediated mRNA decay. As such, this alteration is interpreted as a disease-causing mutation.

Fulgent Genetics
Classification: Likely pathogenic for Hereditary pancreatitis; Bronchiectasis with or without elevated sweat chloride 1; Cystic fibrosis; Congenital bilateral aplasia of vas deferens from CFTR mutation. Last evaluated: 2024-03-12. Review status: criteria provided, single submitter. Criteria: ACMG Guidelines, 2015. Collection method: clinical testing. Allele origin: germline.

Women's Health and Genetics/Laboratory Corporation of America, LabCorp
Classification: Likely pathogenic for Cystic fibrosis. Last evaluated: 2021-07-06. Review status: criteria provided, single submitter. Criteria: LabCorp Variant Classification Summary - May 2015. Collection method: clinical testing. Allele origin: germline.
Comment: Variant summary: CFTR c.1132C>T (p.Gln378X) results in a premature termination codon, predicted to cause a truncation of the encoded protein or absence of the protein due to nonsense mediated decay, which are commonly known mechanisms for disease. Truncations downstream of this position have been classified as pathogenic by our laboratory. The variant was absent in 250498 control chromosomes. c.1132C>T has been reported in the literature in one individual without clinical information (Trujillano_2015). To our knowledge, no experimental evidence demonstrating an impact on protein function has been reported. No clinical diagnostic laboratories have submitted clinical-significance assessments for this variant to ClinVar after 2014. Based on the evidence outlined above, the variant was classified as likely pathogenic.

Mayo Clinic Laboratories, Mayo Clinic
Classification: Pathogenic. Last evaluated: 2021-04-08. Review status: criteria provided, single submitter. Criteria: ACMG Guidelines, 2015. Collection method: clinical testing. Allele origin: germline.
Comment: PVS1, PM2, PM3_supporting

Literature cited by the submitters: PubMed 26436105 (cited by Ambry Genetics and Women's Health and Genetics/Laboratory Corporation of America, LabCorp).